The following is an entry in ClinVar:

NM_001232.4(CASQ2):c.1052A>G (p.Asp351Gly)

Gene: CASQ2 (calsequestrin 2; minus strand). Cytogenetic location: 1p13.1.
Variant type: single nucleotide variant.
Coding change: c.1052A>G on transcript NM_001232.4 (MANE Select); coding-DNA position 1052, A replaced by G.
Protein change: p.Asp351Gly; replaces aspartic acid 351 with glycine.
Molecular consequence: missense variant.
Genome position (GRCh38, 1-based): chr1:115,701,389, T>C on the plus strand (A>G on the coding strand, the complement: CASQ2 is on the minus strand). VCF-style: chr1-115701389-T-C. GRCh37 (hg19) VCF-style: chr1-116244010-T-C.
Other names: short protein forms D351G.
Identifiers: ClinVar variation 191441 (VCV000191441.15), dbSNP rs200899037, ClinGen allele CA236671.

ClinVar aggregate classification (germline): Uncertain significance. Review status: criteria provided, multiple submitters, no conflicts (2 of 4 stars). 7 submissions from 7 submitters: Uncertain significance (7). Last evaluated 2025-10-21.

Conditions:
Cardiovascular phenotype. Identifiers: MedGen CN230736.
Catecholaminergic polymorphic ventricular tachycardia 1. Also called: RYR2-Related Catecholaminergic Polymorphic Ventricular Tachycardia; VENTRICULAR TACHYCARDIA, STRESS-INDUCED POLYMORPHIC 1; VENTRICULAR TACHYCARDIA, CATECHOLAMINERGIC POLYMORPHIC, 1, WITH OR WITHOUT ATRIAL DYSFUNCTION AND/OR DILATED CARDIOMYOPATHY. Identifiers: Orphanet 3286, MedGen C1631597, MONDO:0011484, OMIM 604772.
Cardiomyopathy (CMYO). Also called: Cardiomyopathies. Identifiers: Orphanet 167848, MedGen C0878544, MONDO:0004994, HP:0001638. Inheritance: Various modes of inheritance.
Catecholaminergic polymorphic ventricular tachycardia 2. Also called: CASQ2-Related Catecholaminergic Polymorphic Ventricular Tachycardia; VENTRICULAR TACHYCARDIA, STRESS-INDUCED POLYMORPHIC 2. Identifiers: Orphanet 3286, MedGen C2677794, MONDO:0012762, OMIM 611938.

Allele frequency attached by ClinVar (database versions not stated): gnomAD 0.00001 and 0.00002; gnomAD exomes 0.00002 and 0.00004; TOPMed 0.00002; ExAC 0.00008.

Submissions (7):

Labcorp Genetics (formerly Invitae), Labcorp
Classification: Uncertain significance for Catecholaminergic polymorphic ventricular tachycardia 1. Last evaluated: 2025-10-21. Review status: criteria provided, single submitter. Criteria: Invitae Variant Classification Sherloc (09022015). Collection method: clinical testing. Allele origin: germline.
Comment: This sequence change replaces aspartic acid, which is acidic and polar, with glycine, which is neutral and non-polar, at codon 351 of the CASQ2 protein (p.Asp351Gly). This variant is present in population databases (rs200899037, gnomAD 0.007%). This missense change has been observed in individual(s) with CASQ2-related conditions (PMID: 28074886, 28404607, 29032884). ClinVar contains an entry for this variant (Variation ID: 191441). Invitae Evidence Modeling of protein sequence and biophysical properties (such as structural, functional, and spatial information, amino acid conservation, physicochemical variation, residue mobility, and thermodynamic stability) indicates that this missense variant is not expected to disrupt CASQ2 protein function with a negative predictive value of 80%. In summary, the available evidence is currently insufficient to determine the role of this variant in disease. Therefore, it has been classified as a Variant of Uncertain Significance.

Ambry Genetics
Classification: Uncertain significance for Cardiovascular phenotype. Last evaluated: 2025-09-05. Review status: criteria provided, single submitter. Criteria: Ambry Variant Classification Scheme 2023. Collection method: clinical testing. Allele origin: germline.
Comment: The p.D351G variant (also known as c.1052A>G), located in coding exon 11 of the CASQ2 gene, results from an A to G substitution at nucleotide position 1052. The aspartic acid at codon 351 is replaced by glycine, an amino acid with similar properties. This variant has been detected in two cases from a sudden infant death cohort and in a case with idiopathic ventricular fibrillation (Neubauer J et al. Eur J Hum Genet, 2017 Apr;25:404-409; Leinonen JT et al. Int J Cardiol, 2018 Jan;250:139-145). Analyses by one group suggest this variant may not significantly impact certain aspects of protein folding and function (Wang Q et al. Sci Rep, 2020 Oct;10:18115). This amino acid position is highly conserved in available vertebrate species. In addition, the in silico prediction for this alteration is inconclusive.

Genome-Nilou Lab
Classification: Uncertain significance for Catecholaminergic polymorphic ventricular tachycardia 2. Last evaluated: 2023-04-11. Review status: criteria provided, single submitter. Criteria: ACMG Guidelines, 2015. Collection method: clinical testing. Allele origin: germline. Affected: no.

Illumina Laboratory Services, Illumina
Classification: Uncertain significance for Catecholaminergic polymorphic ventricular tachycardia 2. Last evaluated: 2018-01-12. Review status: criteria provided, single submitter. Criteria: ICSL Variant Classification Criteria 13 December 2019. Collection method: clinical testing. Allele origin: germline.

CHEO Genetics Diagnostic Laboratory, Children's Hospital of Eastern Ontario
Classification: Uncertain significance for Cardiomyopathy. Last evaluated: 2017-10-26. Review status: criteria provided, single submitter. Criteria: ACMG Guidelines, 2015. Collection method: clinical testing. Allele origin: germline. Study: Canadian Open Genetics Repository.

Biesecker Lab/Clinical Genomics Section, National Institutes of Health
Classification: Uncertain significance. Last evaluated: 2013-06-24. Review status: criteria provided, single submitter. Criteria: Ng et al. (Circ Cardiovasc Genet. 2013). Collection method: research. Allele origin: unknown. Observed: 1 variant allele. Study: ClinSeq.
Comment: The study set was not selected for affection status in relation to any cancer. Pathogenicity categories were based on literature curation. See Pubmed ID:23861362 for details.

Medical sequencing

Breakthrough Genomics
Classification: Uncertain significance. Review status: criteria provided, single submitter. Criteria: ACMG Guidelines, 2015. Collection method: not provided. Allele origin: germline. Inheritance: Autosomal recessive inheritance. Affected: yes.

Literature cited by the submitters: PubMed 28074886 (cited by Labcorp Genetics (formerly Invitae), Labcorp and Ambry Genetics); PubMed 28404607 (cited by Labcorp Genetics (formerly Invitae), Labcorp and Ambry Genetics); PubMed 29032884 (cited by Labcorp Genetics (formerly Invitae), Labcorp and Ambry Genetics); PubMed 23861362 (cited by Ambry Genetics); PubMed 33093545 (cited by Ambry Genetics).